The following is an entry in ClinVar:

NM_001375405.1(CEP120):c.151G>C (p.Glu51Gln)

Gene: CEP120 (centrosomal protein 120; minus strand). Cytogenetic location: 5q23.2.
Variant type: single nucleotide variant.
Coding change: c.151G>C on transcript NM_001375405.1 (MANE Select); coding-DNA position 151, G replaced by C.
Protein change: p.Glu51Gln; replaces glutamic acid 51 with glutamine.
Molecular consequence: missense variant. On other transcripts: 5 prime UTR variant (2), non-coding transcript variant (1).
Genome position (GRCh38, 1-based): chr5:123,418,414, C>G on the plus strand (G>C on the coding strand, the complement: CEP120 is on the minus strand). VCF-style: chr5-123418414-C-G. GRCh37 (hg19) VCF-style: chr5-122754108-C-G.
Other names: c.73G>C, p.Glu25Gln (NM_001166226.2); c.151G>C, p.Glu51Gln (NM_001375406.1, NM_001375407.1, NM_153223.4); c.-598G>C (NM_001375408.1); c.-540G>C (NM_001375409.1); short protein forms E25Q, E51Q.
Identifiers: ClinVar variation 2039216 (VCV002039216.1), dbSNP rs767766084, ClinGen allele CA3387331.

ClinVar aggregate classification (germline): Uncertain significance (1 of 4 stars; one submission).

Conditions:
Short-rib thoracic dysplasia 13 with or without polydactyly (SRTD13). Identifiers: Orphanet 474, MedGen C4225378, MONDO:0014577, OMIM 616300.

Allele frequency attached by ClinVar (database versions not stated): ExAC 0.00001; TOPMed 0.00001; gnomAD 0.00002; gnomAD exomes 0.00003.
gnomAD v4.1: 41 of 1,612,038 alleles (0.0025%); highest among the groups gnomAD compares: Middle Eastern, 0.016%; no homozygotes.

Submission:

Labcorp Genetics (formerly Invitae), Labcorp
Classification: Uncertain significance for Short-rib thoracic dysplasia 13 with or without polydactyly. Last evaluated: 2021-08-24. Review status: criteria provided, single submitter. Criteria: Invitae Variant Classification Sherloc (09022015). Collection method: clinical testing. Allele origin: germline.
Comment: This sequence change replaces glutamic acid with glutamine at codon 51 of the CEP120 protein (p.Glu51Gln). The glutamic acid residue is highly conserved and there is a small physicochemical difference between glutamic acid and glutamine. This variant is present in population databases (rs767766084, ExAC 0.001%). This variant has not been reported in the literature in individuals affected with CEP120-related conditions. Algorithms developed to predict the effect of missense changes on protein structure and function (SIFT, PolyPhen-2, Align-GVGD) all suggest that this variant is likely to be tolerated. In summary, the available evidence is currently insufficient to determine the role of this variant in disease. Therefore, it has been classified as a Variant of Uncertain Significance.